The following is an entry in ClinVar:

NM_000383.4(AIRE):c.798+5G>A

Gene: AIRE (autoimmune regulator; plus strand). Cytogenetic location: 21q22.3.
Variant type: single nucleotide variant.
Coding change: c.798+5G>A on transcript NM_000383.4 (MANE Select); 5 bases into the intron after coding-DNA position 798, G replaced by A.
Molecular consequence: intron variant.
Genome position (GRCh38, 1-based): chr21:44,289,807, G>A. VCF-style: chr21-44289807-G-A. GRCh37 (hg19) VCF-style: chr21-45709690-G-A.
Identifiers: ClinVar variation 578148 (VCV000578148.8), dbSNP rs1490186498, ClinGen allele CA638115888.
Genomic context (GRCh38, chr21:44,289,807, plus strand): 5'-GCAGCAGTGGCCCGAAGCCTCTGGTTCGAGCCAAGGGAGCCCAGGGCGCTGCCCCCGTAA[G>A]CACCTGACCTTCCCTGGGGAGCCTGGCTCTTGATGCCCCCCGCCCCAGGAACAGCGTTGC-3'

ClinVar aggregate classification (germline): Uncertain significance. Review status: criteria provided, multiple submitters, no conflicts (2 of 4 stars). 3 submissions from 3 submitters: Uncertain significance (2). 1 of the submissions does not count toward it. Last evaluated 2026-06-22.

Conditions:
Polyglandular autoimmune syndrome, type 1 (APS1). Also called: AUTOIMMUNE POLYENDOCRINE SYNDROME, TYPE I, WITH OR WITHOUT REVERSIBLE METAPHYSEAL DYSPLASIA; Whitaker syndrome; Autoimmune polyendocrine syndrome type 1; PGA I; Autoimmune polyendocrinopathy syndrome , type I, with or without reversible metaphyseal dysplasia; APS I. Identifiers: Orphanet 3453, MedGen C0085859, MONDO:0009411, OMIM 240300.

Allele frequency attached by ClinVar (database versions not stated): gnomAD 0.00001 and 0.00002; gnomAD exomes 0.00001 and 0.00002; TOPMed 0.00001.

Submissions (3):

Women's Health and Genetics/Laboratory Corporation of America, LabCorp
Classification: Uncertain significance. Last evaluated: 2026-06-22. Review status: criteria provided, single submitter. Criteria: LabCorp Variant Classification Summary - May 2015. Collection method: clinical testing. Allele origin: germline.
Comment: Variant summary: AIRE c.798+5G>A alters a nucleotide located close to a canonical splice site and therefore could affect mRNA splicing, leading to a significantly altered protein sequence. Several computational tools predict a significant impact on normal splicing: Four predict the variant abolishes a 5' splicing donor site. However, these predictions have yet to be confirmed by functional studies. The variant allele was found at a frequency of 1.2e-05 in 247084 control chromosomes (gnomAD). The available data on variant occurrences in the general population are insufficient to allow any conclusion about variant significance. c.798+5G>A has been observed in a heterozygous individual affected with primary immunodeficiency (Arunachalam_2021). This report does not provide unequivocal conclusions about association of the variant with disease. To our knowledge, no experimental evidence demonstrating an impact on protein function has been reported. The following publication has been ascertained in the context of this evaluation (PMID: 33225392). ClinVar contains an entry for this variant (Variation ID: 578148). Based on the evidence outlined above, the variant was classified as uncertain significance.

Labcorp Genetics (formerly Invitae), Labcorp
Classification: Uncertain significance for Polyglandular autoimmune syndrome, type 1. Last evaluated: 2022-05-10. Review status: criteria provided, single submitter. Criteria: Invitae Variant Classification Sherloc (09022015). Collection method: clinical testing. Allele origin: germline.
Comment: This sequence change falls in intron 6 of the AIRE gene. It does not directly change the encoded amino acid sequence of the AIRE protein. It affects a nucleotide within the consensus splice site. This variant is present in population databases (no rsID available, gnomAD 0.003%). This variant has been observed in individual(s) with chronic granulomatous disease (PMID: 33225392). ClinVar contains an entry for this variant (Variation ID: 578148). Variants that disrupt the consensus splice site are a relatively common cause of aberrant splicing (PMID: 17576681, 9536098). Algorithms developed to predict the effect of sequence changes on RNA splicing suggest that this variant may disrupt the consensus splice site. In summary, the available evidence is currently insufficient to determine the role of this variant in disease. Therefore, it has been classified as a Variant of Uncertain Significance.

Natera, Inc.
Classification: Uncertain significance for Polyglandular autoimmune syndrome type 1. Last evaluated: 2019-10-28. Review status: no assertion criteria provided. Collection method: clinical testing. Allele origin: germline. Not counted in ClinVar's aggregate classification.

Literature cited by the submitters: PubMed 33225392 (cited by Women's Health and Genetics/Laboratory Corporation of America, LabCorp and Labcorp Genetics (formerly Invitae), Labcorp); PubMed 17576681 (cited by Labcorp Genetics (formerly Invitae), Labcorp); PubMed 9536098 (cited by Labcorp Genetics (formerly Invitae), Labcorp).